The following is an entry in ClinVar:

ClinVar aggregate classification (germline): Uncertain significance (1 of 4 stars; one submission).

Allele frequency attached by ClinVar (database versions not stated): gnomAD exomes below 0.00001.
gnomAD v4.1: 4 of 1,607,644 alleles (0.00025%); highest among the groups gnomAD compares: Non-Finnish European, 0.00034%; no homozygotes.

Submission:

GeneDx
Classification: Uncertain significance. Last evaluated: 2019-12-17. Review status: criteria provided, single submitter. Criteria: GeneDx Variant Classification Process June 2021. Collection method: clinical testing. Allele origin: germline. Affected: yes.
Comment: Not observed in large population cohorts (Lek et al., 2016)

NM_001267550.2(TTN):c.44882T>C (p.Phe14961Ser)

Gene: TTN (titin; minus strand). Cytogenetic location: 2q31.2.
Variant type: single nucleotide variant.
Coding change: c.44882T>C on transcript NM_001267550.2 (MANE Select); coding-DNA position 44882, T replaced by C.
Protein change: p.Phe14961Ser; replaces phenylalanine 14961 with serine.
Molecular consequence: missense variant.
Genome position (GRCh38, 1-based): chr2:178,622,701, A>G on the plus strand (T>C on the coding strand, the complement: TTN is on the minus strand). VCF-style: chr2-178622701-A-G. GRCh37 (hg19) VCF-style: chr2-179487428-A-G.
Other names: p.F13320S:TTT>TCT; c.39959T>C, p.Phe13320Ser (NM_001256850.1); c.17687T>C, p.Phe5896Ser (NM_003319.4); c.37178T>C, p.Phe12393Ser (NM_133378.4); c.18062T>C, p.Phe6021Ser (NM_133432.3); c.18263T>C, p.Phe6088Ser (NM_133437.4); short protein forms F13320S, F14961S, F12393S, F6021S, F5896S, F6088S.
Identifiers: ClinVar variation 202636 (VCV000202636.3), dbSNP rs794729433, ClinGen allele CA309826.